The following is an entry in ClinVar:

ClinVar aggregate classification (germline): Uncertain significance (0 of 4 stars; one submission).

Conditions:
AFF4-related disorder. Also called: AFF4-related condition.

gnomAD v4.1: 3 of 1,613,936 alleles (0.00019%); highest among the groups gnomAD compares: Non-Finnish European, 0.00025%; no homozygotes.

Submission:

PreventionGenetics, part of Exact Sciences
Classification: Uncertain significance for AFF4-related condition. Last evaluated: 2024-06-22. Review status: no assertion criteria provided. Collection method: clinical testing. Allele origin: germline.
Comment: The AFF4 c.2519C>T variant is predicted to result in the amino acid substitution p.Ser840Phe. To our knowledge, this variant has not been reported in the literature. This variant is reported in 0.0065% of alleles in individuals of European (Non-Finnish) descent in gnomAD. At this time, the clinical significance of this variant is uncertain due to the absence of conclusive functional and genetic evidence.

NM_014423.4(AFF4):c.2519C>T (p.Ser840Phe)

Gene: AFF4 (ALF transcription elongation factor 4; minus strand). Cytogenetic location: 5q31.1.
Variant type: single nucleotide variant.
Coding change: c.2519C>T on transcript NM_014423.4 (MANE Select); coding-DNA position 2519, C replaced by T.
Protein change: p.Ser840Phe; replaces serine 840 with phenylalanine.
Molecular consequence: missense variant.
Genome position (GRCh38, 1-based): chr5:132,892,282, G>A on the plus strand (C>T on the coding strand, the complement: AFF4 is on the minus strand). VCF-style: chr5-132892282-G-A. GRCh37 (hg19) VCF-style: chr5-132227974-G-A.
Other names: short protein forms S840F.
Identifiers: ClinVar variation 3354823 (VCV003354823.1).
Genomic context (GRCh38, chr5:132,892,282, plus strand): 5'-GAGGAACTGTTTTTGCTGCTGCCACTCGTCTCCTTGTTGCTGTTACTGCTTGACTTTAAG[G>A]AAGAAGACTGACTAATAGTCCTCTTCCGAGAGCCATGCTCTGTTTTTGGATCTTTTGAAG-3'
Protein context (NP_055238.1, residues 830-850): SRKRTISQSS[Ser840Phe]LKSSSNSNKE